The following is an entry in ClinVar:

ClinVar aggregate classification (germline): Likely pathogenic. Review status: criteria provided, single submitter (1 of 4 stars). 2 submissions from 2 submitters: Likely pathogenic (1). 1 of the submissions does not count toward it. Last evaluated 2025-05-01.

Conditions:
Cobalamin C disease. Also called: Methylmalonic aciduria with homocystinuria cblC type; Methylmalonic aciduria and homocystinuria, Vitamin B12-responsive; Vitamin B12 metabolic defect with combined deficiency of methylmalonyl-CoA mutase and homocysteine:methyltetrahydrofolate methyltransferase; methylmalonic aciduria and homocystinuria type cblC; Cobalamin-C methylmalonic acidemia and homocystinuria; Methylmalonic acidemia and homocystinuria cblC type. Identifiers: Orphanet 26, Orphanet 79282, MedGen C1848561, MONDO:0010184, OMIM 277400.

Submissions (2):

Natera, Inc.
Classification: Likely pathogenic for Methylmalonic aciduria and homocystinuria cblC type. Last evaluated: 2025-05-01. Review status: criteria provided, single submitter. Criteria: Natera Variant Classification Schema (03/2026). Collection method: clinical testing. Allele origin: germline.
Comment: The c.395_397delGAC variant in MMACHC is an in-frame deletion predicted to remove arginine at amino acid 132 while preserving the reading frame. This variant is rare in the general population with a frequency below the threshold expected for the associated phenotype(s). This variant has been observed in one or more individuals affected with the associated recessive disease, as either homozygous or compound heterozygous with a second variant (PMID: 37770946, 35109910). This variant results in a change to the protein length while preserving reading frame, which may disrupt normal protein structure or function. Computational prediction algorithms indicate this variant is likely to affect gene or protein function. Given the available evidence, this variant is classified as Likely Pathogenic.

Counsyl
Classification: Uncertain significance for Cobalamin C disease. Last evaluated: 2017-06-13. Review status: no assertion criteria provided. Collection method: clinical testing. Allele origin: unknown. Not counted in ClinVar's aggregate classification.

Literature cited by the submitters: PubMed 37770946 (cited by Natera, Inc.); PubMed 35109910 (cited by Natera, Inc.).

NM_015506.3(MMACHC):c.395_397del (p.Arg132del)

Gene: MMACHC (metabolism of cobalamin associated C; plus strand). Cytogenetic location: 1p34.1.
Variant type: Deletion.
Coding change: c.395_397del on transcript NM_015506.3 (MANE Select); coding-DNA positions 395 to 397, 3 bases deleted (GAC; older notation c.395_397delGAC).
Protein change: p.Arg132del; deletes arginine 132.
Molecular consequence: inframe deletion.
Genome position (GRCh38, 1-based): chr1:45,508,330-45,508,332, GAC deleted; deleting any 3 consecutive bases within chr1:45,508,328-45,508,332 gives the same sequence; the c. name uses the placement nearest the transcript's 3' end. VCF-style (leftmost placement, unchanged base first): chr1-45508327-AACG-A. GRCh37 (hg19) VCF-style: chr1-45973999-AACG-A.
Other names: c.224_226del, p.Arg75del (NM_001330540.2); short protein forms R132del, R75del.
Identifiers: ClinVar variation 552495 (VCV000552495.3), dbSNP rs1455190457, ClinGen allele CA522810655.